The following is an entry in ClinVar:

ClinVar aggregate classification (germline): Pathogenic. Review status: criteria provided, single submitter (1 of 4 stars). 2 submissions from 2 submitters: Pathogenic (1). 1 of the submissions does not count toward it. Last evaluated 2026-02-12.

Conditions:
Polycystic kidney disease, adult type (PKD1). Also called: Polycystic Kidney Disease 1, Autosomal Dominant; Polycystic kidney disease 1; Polycystic kidney disease 1, severe; Polycystic Kidney, Autosomal Dominant; POLYCYSTIC KIDNEY DISEASE 1 WITH OR WITHOUT POLYCYSTIC LIVER DISEASE; POLYCYSTIC KIDNEY DISEASE, ADULT, TYPE I. Identifiers: MedGen C3149841, MONDO:0008263, OMIM 173900.

Submissions (2):

Victorian Clinical Genetics Services, Murdoch Childrens Research Institute
Classification: Pathogenic for Polycystic kidney disease, adult type. Last evaluated: 2026-02-12. Review status: criteria provided, single submitter. Criteria: ACMG Guidelines, 2015. Collection method: clinical testing. Allele origin: germline. Affected: yes.
Comment: This variant is classified as Pathogenic. Evidence in support of pathogenic classification: Variant is predicted to cause nonsense-mediated decay (NMD) and loss of protein (premature termination codon is located at least 54 nucleotides upstream of the final exon-exon junction); Variant is present in gnomAD (v4) <0.001 for a dominant condition (1 heterozygote, 0 homozygotes); This variant has limited previous evidence of pathogenicity in an unrelated individual. This variant has been observed in an individual with cystic renal disease (PMID: 30586318); Other NMD-predicted variants comparable to the one identified in this case have very strong previous evidence for pathogenicity (DECIPHER). Additional information: This variant is heterozygous; This gene is associated with autosomal dominant disease. Polycystic kidney disease 1 (MIM#173900) is predominantly caused by monoallelic variants, with rare reports of biallelic variants causing disease (OMIM); No published segregation evidence has been identified for this variant; No published functional evidence has been identified for this variant; Loss of function is a known mechanism of disease in this gene and is associated with polycystic kidney disease 1 (MIM#173900); Inheritance information for this variant is not currently available in this individual.

Gharavi Laboratory, Columbia University
Classification: Pathogenic. Last evaluated: 2018-09-16. Review status: no assertion criteria provided. Criteria: ACMG Guidelines, 2015. Collection method: research. Allele origin: germline. Affected: yes. Not counted in ClinVar's aggregate classification.

Literature cited by the submitters: PubMed 30586318 (cited by Victorian Clinical Genetics Services, Murdoch Childrens Research Institute).

NM_001009944.3(PKD1):c.5824del (p.Arg1942fs)

Gene: PKD1 (polycystin 1, transient receptor potential channel interacting; minus strand). Cytogenetic location: 16p13.3.
Variant type: Deletion.
Coding change: c.5824del on transcript NM_001009944.3 (MANE Select); coding-DNA position 5824, one base deleted (C; older notation c.5824delC).
Protein change: p.Arg1942fs; shifts the reading frame from arginine 1942.
Molecular consequence: frameshift variant.
Genome position (GRCh38, 1-based): chr16:2,109,343, G deleted on the plus strand (C on the coding strand, the reverse complement: PKD1 is on the minus strand); the first of 5 consecutive G bases (chr16:2,109,343-2,109,347); deleting any one gives the same sequence. VCF-style (leftmost placement, unchanged base first): chr16-2109342-CG-C. GRCh37 (hg19) VCF-style: chr16-2159343-CG-C.
Other names: c.5824del, p.Arg1942fs (NM_000296.4); c.5824delC (NM_001009944.2); short protein forms R1942fs.
Identifiers: ClinVar variation 562327 (VCV000562327.5), dbSNP rs1567195285, ClinGen allele CA658824490.